The following is an entry in ClinVar:

NM_020163.3(SEMA3G):c.1063G>A (p.Gly355Arg)

Gene: SEMA3G (semaphorin 3G; minus strand). Cytogenetic location: 3p21.1.
Variant type: single nucleotide variant.
Coding change: c.1063G>A on transcript NM_020163.3 (MANE Select); coding-DNA position 1063, G replaced by A.
Protein change: p.Gly355Arg; replaces glycine 355 with arginine.
Molecular consequence: missense variant.
Genome position (GRCh38, 1-based): chr3:52,440,457, C>T on the plus strand (G>A on the coding strand, the complement: SEMA3G is on the minus strand). VCF-style: chr3-52440457-C-T. GRCh37 (hg19) VCF-style: chr3-52474473-C-T.
Other names: short protein forms G355R.
Identifiers: ClinVar variation 3040809 (VCV003040809.2), dbSNP rs138241710, ClinGen allele CA2438070.

ClinVar aggregate classification (germline): Likely benign (0 of 4 stars; one submission).

Conditions:
SEMA3G-related disorder. Also called: SEMA3G-related condition.

Allele frequency attached by ClinVar (database versions not stated): ESP Exome Variant Server 0.00092; 1000 Genomes Project 0.00100; 1000 Genomes Project 30x 0.00109; gnomAD exomes 0.00009; ExAC 0.00029; gnomAD 0.00067; TOPMed 0.00076.

Submission:

PreventionGenetics, part of Exact Sciences
Classification: Likely benign for SEMA3G-related condition. Last evaluated: 2022-04-22. Review status: no assertion criteria provided. Collection method: clinical testing. Allele origin: germline.
Comment: This variant is classified as likely benign based on ACMG/AMP sequence variant interpretation guidelines (Richards et al. 2015 PMID: 25741868, with internal and published modifications).